The following is an entry in ClinVar:

ClinVar aggregate classification (germline): Likely benign (0 of 4 stars; one submission).

Conditions:
B3GALT6-related disorder. Also called: B3GALT6-related condition.

Submission:

PreventionGenetics, part of Exact Sciences
Classification: Likely benign for B3GALT6-related condition. Last evaluated: 2020-10-27. Review status: no assertion criteria provided. Collection method: clinical testing. Allele origin: germline.
Comment: This variant is classified as likely benign based on ACMG/AMP sequence variant interpretation guidelines (Richards et al. 2015 PMID: 25741868, with internal and published modifications).

NM_080605.4(B3GALT6):c.438C>T (p.His146=)

Gene: B3GALT6 (beta-1,3-galactosyltransferase 6; plus strand). Cytogenetic location: 1p36.33.
Variant type: single nucleotide variant.
Coding change: c.438C>T on transcript NM_080605.4 (MANE Select); coding-DNA position 438, C replaced by T.
Protein change: p.His146=; no amino-acid change (histidine 146 retained).
Molecular consequence: synonymous variant.
Genome position (GRCh38, 1-based): chr1:1,232,716, C>T. VCF-style: chr1-1232716-C-T. GRCh37 (hg19) VCF-style: chr1-1168096-C-T.
Identifiers: ClinVar variation 3031805 (VCV003031805.2), dbSNP rs2521966852, ClinGen allele CA415761166.